The following is an entry in ClinVar:

NM_020822.3(KCNT1):c.2418G>T (p.Ser806=)

Gene: KCNT1 (potassium sodium-activated channel subfamily T member 1; plus strand). Cytogenetic location: 9q34.3.
Variant type: single nucleotide variant.
Coding change: c.2418G>T on transcript NM_020822.3 (MANE Select); coding-DNA position 2418, G replaced by T.
Protein change: p.Ser806=; no amino-acid change (serine 806 retained).
Molecular consequence: synonymous variant.
Genome position (GRCh38, 1-based): chr9:135,777,406, G>T. VCF-style: chr9-135777406-G-T. GRCh37 (hg19) VCF-style: chr9-138669252-G-T.
Other names: c.2283G>T, p.Ser761= (NM_001272003.2).
Identifiers: ClinVar variation 1633878 (VCV001633878.37), dbSNP rs142726010, ClinGen allele CA5327302.
Genomic context (GRCh38, chr9:135,777,406, plus strand): 5'-GCACAACAGCTATGAAGACGCCAAGGCCTACGGGTTCAAGAACAAGCTGATCATCGTCTC[G>T]GCAGAGACGGCCGGCAATGGGCTGTACAACTTCATCGTGCCACTGCGGGCCTACTACAGA-3'
Protein context (NP_065873.2, residues 796-816): YGFKNKLIIV[Ser806=]AETAGNGLYN

ClinVar aggregate classification (germline): Likely benign. Review status: criteria provided, multiple submitters, no conflicts (2 of 4 stars). 2 submissions from 2 submitters: Likely benign (2). Last evaluated 2025-12-26.

Conditions:
Developmental and epileptic encephalopathy, 14 (DEE14). Also called: Early infantile epileptic encephalopathy 14. Identifiers: Orphanet 293181, MedGen C3554195, MONDO:0013989, OMIM 614959.
Autosomal dominant nocturnal frontal lobe epilepsy 5. Also called: KCNT1-Related Epilepsy; Epilepsy, nocturnal frontal lobe, 5; CILIARY DYSKINESIA, PRIMARY, 28, WITHOUT SITUS INVERSUS; CILIARY DYSKINESIA, PRIMARY, 28, WITH SITUS INVERSUS. Identifiers: Orphanet 98784, MedGen C3554306, MONDO:0014002, OMIM 615005.

gnomAD v4.1: 8 of 1,614,046 alleles (0.0005%); highest among the groups gnomAD compares: Non-Finnish European, 0.00068%; no homozygotes.

Submissions (2):

Labcorp Genetics (formerly Invitae), Labcorp
Classification: Likely benign for Autosomal dominant nocturnal frontal lobe epilepsy 5; Developmental and epileptic encephalopathy, 14. Last evaluated: 2025-12-26. Review status: criteria provided, single submitter. Criteria: Invitae Variant Classification Sherloc (09022015). Collection method: clinical testing. Allele origin: germline.

CeGaT Center for Human Genetics Tuebingen
Classification: Likely benign. Last evaluated: 2022-10-01. Review status: criteria provided, single submitter. Criteria: CeGaT Center For Human Genetics Tuebingen Variant Classification Criteria Version 2. Collection method: clinical testing. Allele origin: germline. Affected: yes. Observed: 1 variant allele.
Comment: KCNT1: BP4, BP7